The following is an entry in ClinVar:

NC_000002.11:g.(?_29541160)_(29551357_?)del

Gene: ALK (ALK receptor tyrosine kinase; minus strand). Cytogenetic location: 2p23.2.
Variant type: Deletion.
Identifiers: ClinVar variation 1374778 (VCV001374778.6).

ClinVar aggregate classification (germline): Uncertain significance (1 of 4 stars; one submission).

Conditions:
Neuroblastoma, susceptibility to, 3. Also called: ALK-Related Neuroblastic Tumor Susceptibility. Identifiers: Orphanet 635, MedGen C2751681, MONDO:0013083, OMIM 613014.

Submission:

Labcorp Genetics (formerly Invitae), Labcorp
Classification: Uncertain significance for Neuroblastoma, susceptibility to, 3. Last evaluated: 2023-03-17. Review status: criteria provided, single submitter. Criteria: Invitae Variant Classification Sherloc (09022015). Collection method: clinical testing. Allele origin: germline.
Comment: In summary, the available evidence is currently insufficient to determine the role of this variant in disease. Therefore, it has been classified as a Variant of Uncertain Significance. Experimental studies and prediction algorithms are not available or were not evaluated, and the functional significance of this variant is currently unknown. This variant has not been reported in the literature in individuals affected with ALK-related conditions. This variant is a gross deletion of the genomic region encompassing exon(s) 6-8 of the ALK gene. This deletion is out-of-frame, and is expected to create a premature translational stop signal and result in an absent or disrupted protein product. However, the current clinical and genetic evidence is not sufficient to establish whether loss-of-function variants in ALK cause disease.